The following is an entry in ClinVar:

ClinVar aggregate classification (germline): Likely pathogenic (1 of 4 stars; one submission).

Allele frequency attached by ClinVar (database versions not stated): gnomAD exomes 0.00001.

Submission:

GeneDx
Classification: Likely pathogenic. Last evaluated: 2024-06-13. Review status: criteria provided, single submitter. Criteria: GeneDx Variant Classification Process June 2021. Collection method: clinical testing. Allele origin: germline. Affected: yes.
Comment: Identified in an individual with early onset obesity in published literature, but additional clinical information was not provided (PMID: 16477437); Not observed at significant frequency in large population cohorts (gnomAD); In silico analysis supports that this missense variant has a deleterious effect on protein structure/function; This variant is associated with the following publications: (PMID: 16477437)

NM_003394.4(WNT10B):c.767G>A (p.Cys256Tyr)

Gene: WNT10B (Wnt family member 10B; minus strand). Cytogenetic location: 12q13.12.
Variant type: single nucleotide variant.
Coding change: c.767G>A on transcript NM_003394.4 (MANE Select); coding-DNA position 767, G replaced by A.
Protein change: p.Cys256Tyr; replaces cysteine 256 with tyrosine.
Molecular consequence: missense variant.
Genome position (GRCh38, 1-based): chr12:48,966,498, C>T on the plus strand (G>A on the coding strand, the complement: WNT10B is on the minus strand). VCF-style: chr12-48966498-C-T. GRCh37 (hg19) VCF-style: chr12-49360281-C-T.
Other names: short protein forms C256Y.
Identifiers: ClinVar variation 2136157 (VCV002136157.3), dbSNP rs2498935928, ClinGen allele CA384673665.